The following is an entry in ClinVar:

ClinVar aggregate classification (germline): Likely benign. Review status: criteria provided, multiple submitters, no conflicts (2 of 4 stars). 4 submissions from 4 submitters: Likely benign (4). Last evaluated 2026-02-02.

Conditions:
Bardet-Biedl syndrome 8 (BBS8). Identifiers: Orphanet 110, MedGen C1859566, MONDO:0014436, OMIM 615985.
Retinitis pigmentosa 51 (RP51). Identifiers: Orphanet 791, MedGen C3150715, MONDO:0013274, OMIM 613464.
Bardet-Biedl syndrome (BBS). Identifiers: Orphanet 110, MedGen C0752166, MONDO:0015229.

Allele frequency attached by ClinVar (database versions not stated): ESP Exome Variant Server 0.00062; 1000 Genomes Project 0.00020; 1000 Genomes Project 30x 0.00031; ExAC 0.00032; gnomAD exomes 0.00036; TOPMed 0.00046; gnomAD 0.00053 and 0.00055.
gnomAD v4.1: 1,427 of 1,613,540 alleles (0.088%); highest among the groups gnomAD compares: Non-Finnish European, 0.11%; 3 homozygotes.

Submissions (4):

Labcorp Genetics (formerly Invitae), Labcorp
Classification: Likely benign for Bardet-Biedl syndrome. Last evaluated: 2026-02-02. Review status: criteria provided, single submitter. Criteria: Invitae Variant Classification Sherloc (09022015). Collection method: clinical testing. Allele origin: germline.

CeGaT Center for Human Genetics Tuebingen
Classification: Likely benign. Last evaluated: 2026-02-01. Review status: criteria provided, single submitter. Criteria: CeGaT Center For Human Genetics Tuebingen Variant Classification Criteria Version 2. Collection method: clinical testing. Allele origin: germline. Affected: yes. Observed: 2 variant alleles.
Comment: TTC8: BP4

Blueprint Genetics
Classification: Likely benign. Last evaluated: 2024-10-03. Review status: criteria provided, single submitter. Criteria: ACMG Guidelines, 2015. Collection method: clinical testing. Allele origin: germline.

Fulgent Genetics
Classification: Likely benign for Retinitis pigmentosa 51; Bardet-Biedl syndrome 8. Last evaluated: 2021-09-20. Review status: criteria provided, single submitter. Criteria: ACMG Guidelines, 2015. Collection method: clinical testing. Allele origin: unknown.

NM_144596.4(TTC8):c.910-16T>G

Gene: TTC8 (tetratricopeptide repeat domain 8; plus strand). Cytogenetic location: 14q31.3.
Variant type: single nucleotide variant.
Coding change: c.910-16T>G on transcript NM_144596.4 (MANE Select); 16 bases into the intron before coding-DNA position 910, T replaced by G.
Molecular consequence: intron variant.
Genome position (GRCh38, 1-based): chr14:88,870,043, T>G. VCF-style: chr14-88870043-T-G. GRCh37 (hg19) VCF-style: chr14-89336387-T-G.
Other names: c.316-16T>G (NM_001288782.1); c.958-16T>G (NM_001288781.1); c.880-16T>G (NM_198309.3, NM_001366535.2); c.193-16T>G (NM_001288783.1); c.790-16T>G (NM_198310.3, NM_001366536.2).
Identifiers: ClinVar variation 1104906 (VCV001104906.21), dbSNP rs199763558, ClinGen allele CA7302635.